The following is an entry in ClinVar:

ClinVar aggregate classification (germline): Uncertain significance. Review status: criteria provided, multiple submitters, no conflicts (2 of 4 stars). 2 submissions from 2 submitters: Uncertain significance (2). Last evaluated 2026-02-01.

Conditions:
Hereditary cancer-predisposing syndrome. Also called: Hereditary Cancer Syndrome; Hereditary neoplastic syndrome; Neoplastic Syndromes, Hereditary; Tumor predisposition. Identifiers: Orphanet 140162, MedGen C0027672, MeSH D009386, MONDO:0015356.
Fanconi anemia complementation group O. Also called: RAD51C-Related Fanconi Anemia. Identifiers: Orphanet 84, MedGen C3150653, MONDO:0013248, OMIM 613390.

Submissions (2):

Labcorp Genetics (formerly Invitae), Labcorp
Classification: Uncertain significance for Fanconi anemia complementation group O. Last evaluated: 2026-02-01. Review status: criteria provided, single submitter. Criteria: Invitae Variant Classification Sherloc (09022015). Collection method: clinical testing. Allele origin: germline.
Comment: This sequence change replaces serine, which is neutral and polar, with arginine, which is basic and polar, at codon 16 of the RAD51C protein (p.Ser16Arg). This variant is not present in population databases (gnomAD no frequency). This variant has not been reported in the literature in individuals affected with RAD51C-related conditions. ClinVar contains an entry for this variant (Variation ID: 3429703). An algorithm developed to predict the effect of missense changes on protein structure and function (PolyPhen-2) suggests that this variant is likely to be tolerated. In summary, the available evidence is currently insufficient to determine the role of this variant in disease. Therefore, it has been classified as a Variant of Uncertain Significance.

Ambry Genetics
Classification: Uncertain significance for Hereditary cancer-predisposing syndrome. Last evaluated: 2024-06-26. Review status: criteria provided, single submitter. Criteria: Ambry Variant Classification Scheme 2023. Collection method: clinical testing. Allele origin: germline.
Comment: The p.S16R variant (also known as c.48T>G), located in coding exon 1 of the RAD51C gene, results from a T to G substitution at nucleotide position 48. The serine at codon 16 is replaced by arginine, an amino acid with dissimilar properties. This amino acid position is conserved. In addition, this alteration is predicted to be tolerated by in silico analysis. Based on the available evidence, the clinical significance of this variant remains unclear.

NM_058216.3(RAD51C):c.48T>G (p.Ser16Arg)

Gene: RAD51C (RAD51 paralog C; plus strand). Cytogenetic location: 17q22.
Variant type: single nucleotide variant.
Coding change: c.48T>G on transcript NM_058216.3 (MANE Select); coding-DNA position 48, T replaced by G.
Protein change: p.Ser16Arg; replaces serine 16 with arginine.
Molecular consequence: missense variant. On other transcripts: non-coding transcript variant (1).
Genome position (GRCh38, 1-based): chr17:58,692,691, T>G. VCF-style: chr17-58692691-T-G. GRCh37 (hg19) VCF-style: chr17-56770052-T-G.
Other names: c.48T>G, p.Ser16Arg (NM_002876.4); short protein forms S16R.
Identifiers: ClinVar variation 3429703 (VCV003429703.2).